The following is an entry in ClinVar:

NM_198576.4(AGRN):c.2684C>G (p.Ala895Gly)

Gene: AGRN (agrin; plus strand). Cytogenetic location: 1p36.33.
Variant type: single nucleotide variant.
Coding change: c.2684C>G on transcript NM_198576.4 (MANE Select); coding-DNA position 2684, C replaced by G.
Protein change: p.Ala895Gly; replaces alanine 895 with glycine.
Molecular consequence: missense variant.
Genome position (GRCh38, 1-based): chr1:1,045,967, C>G. VCF-style: chr1-1045967-C-G. GRCh37 (hg19) VCF-style: chr1-981347-C-G.
Other names: c.2684C>G, p.Ala895Gly (NM_001305275.2); c.2369C>G, p.Ala790Gly (NM_001364727.2); short protein forms A790G, A895G.
Identifiers: ClinVar variation 1505250 (VCV001505250.8), dbSNP rs1570220791, ClinGen allele CA337842243.
Genomic context (GRCh38, chr1:1,045,967, plus strand): 5'-TCATGGGGTGGGGTGGGGTCACCCGAGCCACAGAGGTTTCCCATGCCCGTGCCCCAGACG[C>G]TTCTGCGCCTGCGACCTGTGCGGAGATGCGCTGTGAGTTCGGTGCGCGGTGCGTGGAGGA-3'
Protein context (NP_940978.2, residues 885-905): ALGPAGCEAD[Ala895Gly]SAPATCAEMR

ClinVar aggregate classification (germline): Uncertain significance (1 of 4 stars; one submission).

Conditions:
Congenital myasthenic syndrome 8. Also called: MYASTHENIC SYNDROME, CONGENITAL, DUE TO AGRIN DEFICIENCY; Myasthenic syndrome, congenital, 8, with pre- and postsynaptic defects. Identifiers: Orphanet 590, MedGen C3808739, MONDO:0014052, OMIM 615120.

Submission:

Labcorp Genetics (formerly Invitae), Labcorp
Classification: Uncertain significance for Congenital myasthenic syndrome 8. Last evaluated: 2021-04-12. Review status: criteria provided, single submitter. Criteria: Invitae Variant Classification Sherloc (09022015). Collection method: clinical testing. Allele origin: germline.
Comment: This sequence change replaces alanine with glycine at codon 895 of the AGRN protein (p.Ala895Gly). The alanine residue is weakly conserved and there is a small physicochemical difference between alanine and glycine. This variant is not present in population databases (ExAC no frequency). In summary, the available evidence is currently insufficient to determine the role of this variant in disease. Therefore, it has been classified as a Variant of Uncertain Significance. Algorithms developed to predict the effect of missense changes on protein structure and function are either unavailable or do not agree on the potential impact of this missense change (SIFT: "Tolerated"; PolyPhen-2: "Possibly Damaging"; Align-GVGD: "Class C0"). This variant has not been reported in the literature in individuals with AGRN-related conditions.